The following is an entry in ClinVar:

ClinVar aggregate classification (germline): Pathogenic (1 of 4 stars; one submission).

Conditions:
Congenital muscular hypertrophy-cerebral syndrome (CDLS2). Also called: SMC1A-Related Cornelia de Lange Syndrome; Cornelia de Lange syndrome 2. Identifiers: Orphanet 199, MedGen C1802395, MONDO:0010370, OMIM 300590.

Submission:

Labcorp Genetics (formerly Invitae), Labcorp
Classification: Pathogenic for Congenital muscular hypertrophy-cerebral syndrome. Last evaluated: 2023-04-09. Review status: criteria provided, single submitter. Criteria: Invitae Variant Classification Sherloc (09022015). Collection method: clinical testing. Allele origin: germline.
Comment: For these reasons, this variant has been classified as Pathogenic. This variant disrupts a region of the SMC1A protein in which other variant(s) (p.Phe1218_Thr1221del) have been determined to be pathogenic (Invitae). This suggests that this is a clinically significant region of the protein, and that variants that disrupt it are likely to be disease-causing. This variant has not been reported in the literature in individuals affected with SMC1A-related conditions. This variant is not present in population databases (gnomAD no frequency). This sequence change creates a premature translational stop signal (p.Ser1033Metfs*179) in the SMC1A gene. While this is not anticipated to result in nonsense mediated decay, it is expected to disrupt the last 201 amino acid(s) of the SMC1A protein.

NM_006306.4(SMC1A):c.3098del (p.Ser1033fs)

Gene: SMC1A (structural maintenance of chromosomes 1A; minus strand). Cytogenetic location: Xp11.22.
Variant type: Deletion.
Coding change: c.3098del on transcript NM_006306.4 (MANE Select); coding-DNA position 3098, one base deleted (G; older notation c.3098delG).
Protein change: p.Ser1033fs; shifts the reading frame from serine 1033.
Molecular consequence: frameshift variant.
Genome position (GRCh38, 1-based): chrX:53,383,129, C deleted on the plus strand (G on the coding strand, the reverse complement: SMC1A is on the minus strand). VCF-style (leftmost placement, unchanged base first): chrX-53383128-AC-A. GRCh37 (hg19) VCF-style: chrX-53410049-AC-A.
Other names: c.3032del, p.Ser1011fs (NM_001281463.1); short protein forms S1011fs, S1033fs.
Identifiers: ClinVar variation 2853862 (VCV002853862.3), dbSNP rs2520828155, ClinGen allele CA2739273523.
Genomic context (GRCh38, chrX:53,383,128, plus strand): 5'-GTAGGCCCAAGTAGAAGGGTAAATCTTACCATCTGAGGTCTCCTGGAACTTGTCTCGGAC[AC>A]TTTCCAGCTTTTCCATGGCCTTCATGTTGGGGGCGGCAATACGCTGAAGCACACTCTGCT-3'